The following is an entry in ClinVar:

ClinVar aggregate classification (germline): Uncertain significance (1 of 4 stars; one submission).

Conditions:
Specific granule deficiency. Identifiers: Orphanet 169142, MedGen C0398593, MONDO:0009506.

gnomAD v4.1: 15 of 1,613,830 alleles (0.00093%); highest among the groups gnomAD compares: Admixed American, 0.0017%; no homozygotes.

Submission:

Labcorp Genetics (formerly Invitae), Labcorp
Classification: Uncertain significance for Specific granule deficiency. Last evaluated: 2024-12-09. Review status: criteria provided, single submitter. Criteria: Invitae Variant Classification Sherloc (09022015). Collection method: clinical testing. Allele origin: germline.
Comment: This sequence change replaces glutamic acid, which is acidic and polar, with lysine, which is basic and polar, at codon 35 of the CEBPE protein (p.Glu35Lys). This variant is present in population databases (rs752255768, gnomAD 0.0009%). This variant has not been reported in the literature in individuals affected with CEBPE-related conditions. An algorithm developed to predict the effect of missense changes on protein structure and function (PolyPhen-2) suggests that this variant is likely to be tolerated. In summary, the available evidence is currently insufficient to determine the role of this variant in disease. Therefore, it has been classified as a Variant of Uncertain Significance.

NM_001805.4(CEBPE):c.103G>A (p.Glu35Lys)

Gene: CEBPE (CCAAT enhancer binding protein epsilon; minus strand). Cytogenetic location: 14q11.2.
Variant type: single nucleotide variant.
Coding change: c.103G>A on transcript NM_001805.4 (MANE Select); coding-DNA position 103, G replaced by A.
Protein change: p.Glu35Lys; replaces glutamic acid 35 with lysine.
Molecular consequence: missense variant.
Genome position (GRCh38, 1-based): chr14:23,118,989, C>T on the plus strand (G>A on the coding strand, the complement: CEBPE is on the minus strand). VCF-style: chr14-23118989-C-T. GRCh37 (hg19) VCF-style: chr14-23588198-C-T.
Other names: short protein forms E35K.
Identifiers: ClinVar variation 3694630 (VCV003694630.2).